The following is an entry in ClinVar:

ClinVar aggregate classification (germline): Uncertain significance (1 of 4 stars; one submission).

Conditions:
Hereditary cancer-predisposing syndrome. Also called: Neoplastic Syndromes, Hereditary; Tumor predisposition; Hereditary Cancer Syndrome; Hereditary neoplastic syndrome. Identifiers: Orphanet 140162, MedGen C0027672, MeSH D009386, MONDO:0015356.

Allele frequency attached by ClinVar (database versions not stated): gnomAD exomes below 0.00001; TOPMed below 0.00001.
gnomAD v4.1: 1 of 1,613,732 alleles (0.000062%); highest among the groups gnomAD compares: Non-Finnish European, 0.000085%; no homozygotes.

Submission:

Ambry Genetics
Classification: Uncertain significance for Hereditary cancer-predisposing syndrome. Last evaluated: 2020-01-06. Review status: criteria provided, single submitter. Criteria: Ambry Variant Classification Scheme 2023. Collection method: clinical testing. Allele origin: germline.
Comment: The p.A341S variant (also known as c.1021G>T), located in coding exon 6 of the PDGFRA gene, results from a G to T substitution at nucleotide position 1021. The alanine at codon 341 is replaced by serine, an amino acid with similar properties. This amino acid position is highly conserved in available vertebrate species. In addition, this alteration is predicted to be tolerated by in silico analysis. Since supporting evidence is limited at this time, the clinical significance of this alteration remains unclear.

NM_006206.6(PDGFRA):c.1021G>T (p.Ala341Ser)

Gene: PDGFRA (platelet derived growth factor receptor alpha; plus strand). Cytogenetic location: 4q12.
Variant type: single nucleotide variant.
Coding change: c.1021G>T on transcript NM_006206.6 (MANE Select); coding-DNA position 1021, G replaced by T.
Protein change: p.Ala341Ser; replaces alanine 341 with serine.
Molecular consequence: missense variant.
Genome position (GRCh38, 1-based): chr4:54,267,641, G>T. VCF-style: chr4-54267641-G-T. GRCh37 (hg19) VCF-style: chr4-55133808-G-T.
Other names: c.1021G>T, p.Ala341Ser (NM_001347827.2, NM_001347829.2); c.1096G>T, p.Ala366Ser (NM_001347828.2); c.1060G>T, p.Ala354Ser (NM_001347830.2); short protein forms A354S, A341S, A366S.
Identifiers: ClinVar variation 1761880 (VCV001761880.2), dbSNP rs1723115312, ClinGen allele CA356891625.
Genomic context (GRCh38, chr4:54,267,641, plus strand): 5'-TTCAGCCAGTTGGAAGCTGTCAACCTGCATGAAGTCAAACATTTTGTTGTAGAGGTGCGG[G>T]CCTACCCACCTCCCAGGATATCCTGGCTGAAAAACAATCTGACTCTGATTGAAAATCTCA-3'
Protein context (NP_006197.1, residues 331-351): EVKHFVVEVR[Ala341Ser]YPPPRISWLK